The following is an entry in ClinVar:

ClinVar aggregate classification (germline): Conflicting classifications of pathogenicity. Review status: criteria provided, conflicting classifications (1 of 4 stars). 4 submissions from 4 submitters: Uncertain significance (2); Likely benign (2). Last evaluated 2025-12-12.

Conditions:
Hereditary cancer-predisposing syndrome. Also called: Neoplastic Syndromes, Hereditary; Hereditary Cancer Syndrome; Hereditary neoplastic syndrome; Tumor predisposition. Identifiers: Orphanet 140162, MedGen C0027672, MeSH D009386, MONDO:0015356.
Hereditary breast ovarian cancer syndrome. Also called: Hereditary breast and ovarian cancer syndrome (HBOC); Hereditary breast and ovarian cancer syndrome; Breast and ovarian cancer; BRCA1- and BRCA2-Associated Hereditary Breast and Ovarian Cancer; Hereditary breast and ovarian cancer; Hereditary breast and/or ovarian cancer syndrome. Identifiers: Orphanet 145, MedGen C0677776, MeSH D061325, MONDO:0003582. Disease mechanism: loss of function.

Submissions (4):

Labcorp Genetics (formerly Invitae), Labcorp
Classification: Uncertain significance for Hereditary breast ovarian cancer syndrome. Last evaluated: 2025-12-12. Review status: criteria provided, single submitter. Criteria: Invitae Variant Classification Sherloc (09022015). Collection method: clinical testing. Allele origin: germline.
Comment: This sequence change replaces lysine, which is basic and polar, with glutamic acid, which is acidic and polar, at codon 985 of the BRCA2 protein (p.Lys985Glu). This variant is not present in population databases (gnomAD no frequency). This variant has not been reported in the literature in individuals affected with BRCA2-related conditions. ClinVar contains an entry for this variant (Variation ID: 479389). Invitae Evidence Modeling of protein sequence and biophysical properties (such as structural, functional, and spatial information, amino acid conservation, physicochemical variation, residue mobility, and thermodynamic stability) indicates that this missense variant is not expected to disrupt BRCA2 protein function with a negative predictive value of 95%. In summary, the available evidence is currently insufficient to determine the role of this variant in disease. Therefore, it has been classified as a Variant of Uncertain Significance.

Ambry Genetics
Classification: Likely benign for Hereditary cancer-predisposing syndrome. Last evaluated: 2025-12-09. Review status: criteria provided, single submitter. Criteria: Ambry Variant Classification Scheme 2023. Collection method: clinical testing. Allele origin: germline.

Quest Diagnostics Nichols Institute San Juan Capistrano
Classification: Uncertain significance. Last evaluated: 2024-04-04. Review status: criteria provided, single submitter. Criteria: Quest Diagnostics criteria. Collection method: clinical testing. Allele origin: unknown.
Comment: The BRCA2 c.2953A>G (p.Lys985Glu) variant has been reported in the published literature to be located in a region of the BRCA2 gene that is tolerant to missense sequence changes (PMID: 31911673 (2020)). To the best of our knowledge, this variant has not been reported in individuals with BRCA2-related conditions. This variant has not been reported in large, multi-ethnic general populations (Genome Aggregation Database). Analysis of this variant using bioinformatics tools for the prediction of the effect of amino acid changes on protein structure and function yielded predictions that this variant is benign. Please note that these prediction tools are not fully validated, and therefore, should be viewed with caution. Based on the available information, we are unable to determine the clinical significance of this variant.

University of Washington Department of Laboratory Medicine, University of Washington
Classification: Likely benign for Hereditary cancer-predisposing syndrome. Last evaluated: 2023-03-23. Review status: criteria provided, single submitter. Criteria: Dines et al. (Genet Med. 2020). Collection method: curation. Allele origin: germline.
Comment: Missense variant in a coldspot region where missense variants are very unlikely to be pathogenic (PMID:31911673).

BRCA2 exon 11 coldspot. Reclassification based on statistical prior probability.

Literature cited by the submitters: PubMed 31911673 (cited by Quest Diagnostics Nichols Institute San Juan Capistrano).

NM_000059.4(BRCA2):c.2953A>G (p.Lys985Glu)

Gene: BRCA2 (BRCA2 DNA repair associated; plus strand). Cytogenetic location: 13q13.1.
Variant type: single nucleotide variant.
Coding change: c.2953A>G on transcript NM_000059.4 (MANE Select); coding-DNA position 2953, A replaced by G.
Protein change: p.Lys985Glu; replaces lysine 985 with glutamic acid.
Molecular consequence: missense variant.
Genome position (GRCh38, 1-based): chr13:32,337,308, A>G. VCF-style: chr13-32337308-A-G. GRCh37 (hg19) VCF-style: chr13-32911445-A-G.
Other names: short protein forms K985E.
Identifiers: ClinVar variation 479389 (VCV000479389.13), dbSNP rs1555282970, ClinGen allele CA387774387.